The following is an entry in ClinVar:

NM_001375524.1(TRRAP):c.9176G>A (p.Arg3059Gln)

Gene: TRRAP (transformation/transcription domain associated protein; plus strand). Cytogenetic location: 7q22.1.
Variant type: single nucleotide variant.
Coding change: c.9176G>A on transcript NM_001375524.1 (MANE Select); coding-DNA position 9176, G replaced by A.
Protein change: p.Arg3059Gln; replaces arginine 3059 with glutamine.
Molecular consequence: missense variant.
Genome position (GRCh38, 1-based): chr7:98,984,246, G>A. VCF-style: chr7-98984246-G-A. GRCh37 (hg19) VCF-style: chr7-98581869-G-A.
Other names: c.9188G>A, p.Arg3063Gln (NM_001244580.2); c.9101G>A, p.Arg3034Gln (NM_003496.4); short protein forms R3034Q, R3059Q, R3063Q.
Identifiers: ClinVar variation 4866001 (VCV004866001.1).

ClinVar aggregate classification (germline): Uncertain significance (1 of 4 stars; one submission).

Conditions:
Inborn genetic diseases. Identifiers: MedGen C0950123, MeSH D030342.

gnomAD v4.1: 1 of 1,613,858 alleles (0.000062%); highest among the groups gnomAD compares: Non-Finnish European, 0.000085%; no homozygotes.

Submission:

Ambry Genetics
Classification: Uncertain significance for Inborn genetic diseases. Last evaluated: 2026-05-17. Review status: criteria provided, single submitter. Criteria: Ambry Variant Classification Scheme 2023. Collection method: clinical testing. Allele origin: germline.
Comment: The c.9188G>A (p.R3063Q) alteration is located in exon 60 (coding exon 59) of the TRRAP gene. This alteration results from a G to A substitution at nucleotide position 9188, causing the arginine (R) at amino acid position 3063 to be replaced by a glutamine (Q). This variant was not reported in population-based cohorts in the Genome Aggregation Database (gnomAD). This amino acid position is highly conserved in available vertebrate species. This missense variant is located in a region that has a low rate of benign missense variation (Lek, 2016; Firth, 2009). The in silico prediction for this alteration is inconclusive. Based on insufficient or conflicting evidence, the clinical significance of this alteration remains unclear.